The following is an entry in ClinVar:

NM_004006.3(DMD):c.5977A>G (p.Ile1993Val)

Gene: DMD (dystrophin; minus strand). Cytogenetic location: Xp21.1.
Variant type: single nucleotide variant.
Coding change: c.5977A>G on transcript NM_004006.3 (MANE Select); coding-DNA position 5977, A replaced by G.
Protein change: p.Ile1993Val; replaces isoleucine 1993 with valine.
Molecular consequence: missense variant.
Genome position (GRCh38, 1-based): chrX:32,310,222, T>C on the plus strand (A>G on the coding strand, the complement: DMD is on the minus strand). VCF-style: chrX-32310222-T-C. GRCh37 (hg19) VCF-style: chrX-32328339-T-C.
Other names: c.5953A>G, p.Ile1985Val (NM_000109.4); c.5965A>G, p.Ile1989Val (NM_004009.3); c.5608A>G, p.Ile1870Val (NM_004010.3); c.1954A>G, p.Ile652Val (NM_004011.4); c.1945A>G, p.Ile649Val (NM_004012.4); short protein forms I1989V, I649V, I652V, I1985V, I1993V, I1870V.
Identifiers: ClinVar variation 1750802 (VCV001750802.7), dbSNP rs1187189771, ClinGen allele CA412669982.
Genomic context (GRCh38, chrX:32,310,222, plus strand): 5'-CTAATAGGGCTTGTGAGACATGAGTGATTTCAGTCAAATAAGTAGAAGGCACATAAGAAA[T>C]TTCCAAAGGCATGTCTTCAGTCATCACCATCATCGTTTCTTCACGGACAGTGTGCTGGTA-3'
Protein context (NP_003997.2, residues 1983-2003): MVMTEDMPLE[Ile1993Val]SYVPSTYLTE

ClinVar aggregate classification (germline): Uncertain significance. Review status: criteria provided, multiple submitters, no conflicts (2 of 4 stars). 2 submissions from 2 submitters: Uncertain significance (2). Last evaluated 2024-01-04.

Conditions:
Duchenne muscular dystrophy (DMD). Also called: MUSCULAR DYSTROPHY, PSEUDOHYPERTROPHIC PROGRESSIVE, DUCHENNE TYPE; Duchenne Muscular Dystrophy (DMD). Identifiers: Orphanet 98896, MedGen C0013264, MONDO:0010679, OMIM 310200.
Cardiovascular phenotype. Identifiers: MedGen CN230736.

Allele frequency attached by ClinVar (database versions not stated): gnomAD exomes below 0.00001; TOPMed 0.00002.
gnomAD v4.1: 1 of 1,209,364 alleles (0.000083%); highest among the groups gnomAD compares: African/African-American, 0.0017%; no homozygotes.

Submissions (2):

Labcorp Genetics (formerly Invitae), Labcorp
Classification: Uncertain significance for Duchenne muscular dystrophy. Last evaluated: 2024-01-04. Review status: criteria provided, single submitter. Criteria: Invitae Variant Classification Sherloc (09022015). Collection method: clinical testing. Allele origin: germline.
Comment: This sequence change replaces isoleucine, which is neutral and non-polar, with valine, which is neutral and non-polar, at codon 1993 of the DMD protein (p.Ile1993Val). This variant is not present in population databases (gnomAD no frequency). This variant has not been reported in the literature in individuals affected with DMD-related conditions. ClinVar contains an entry for this variant (Variation ID: 1750802). Advanced modeling of protein sequence and biophysical properties (such as structural, functional, and spatial information, amino acid conservation, physicochemical variation, residue mobility, and thermodynamic stability) performed at Invitae indicates that this missense variant is not expected to disrupt DMD protein function with a negative predictive value of 95%. In summary, the available evidence is currently insufficient to determine the role of this variant in disease. Therefore, it has been classified as a Variant of Uncertain Significance.

Ambry Genetics
Classification: Uncertain significance for Cardiovascular phenotype. Last evaluated: 2020-11-06. Review status: criteria provided, single submitter. Criteria: Ambry Variant Classification Scheme 2023. Collection method: clinical testing. Allele origin: germline.
Comment: The p.I1993V variant (also known as c.5977A>G), located in coding exon 42 of the DMD gene, results from an A to G substitution at nucleotide position 5977. The isoleucine at codon 1993 is replaced by valine, an amino acid with highly similar properties. This amino acid position is not well conserved in available vertebrate species, and valine is the reference amino acid in other vertebrate species. In addition, this alteration is predicted to be tolerated by in silico analysis. Since supporting evidence is limited at this time, the clinical significance of this alteration remains unclear.